The following is an entry in ClinVar:

NM_139318.5(KCNH5):c.1202G>A (p.Arg401His)

Gene: KCNH5 (potassium voltage-gated channel subfamily H member 5; minus strand). Cytogenetic location: 14q23.2.
Variant type: single nucleotide variant.
Coding change: c.1202G>A on transcript NM_139318.5 (MANE Select); coding-DNA position 1202, G replaced by A.
Protein change: p.Arg401His; replaces arginine 401 with histidine.
Molecular consequence: missense variant.
Genome position (GRCh38, 1-based): chr14:62,950,300, C>T on the plus strand (G>A on the coding strand, the complement: KCNH5 is on the minus strand). VCF-style: chr14-62950300-C-T. GRCh37 (hg19) VCF-style: chr14-63417018-C-T.
Other names: c.1202G>A, p.Arg401His (NM_172375.3); short protein forms R401H.
Identifiers: ClinVar variation 949515 (VCV000949515.11), dbSNP rs1461051682, ClinGen allele CA390103040.

ClinVar aggregate classification (germline): Conflicting classifications of pathogenicity. Review status: criteria provided, conflicting classifications (1 of 4 stars). 2 submissions from 2 submitters: Uncertain significance (1); Benign (1). Last evaluated 2026-06-26.

Conditions:
Early-infantile DEE. Also called: Ohtahara syndrome; Early infantile epileptic encephalopathy with suppression bursts; Early infantile epileptic encephalopathy. Identifiers: Orphanet 1934, MedGen C0393706, MONDO:0800491.

Allele frequency attached by ClinVar (database versions not stated): TOPMed below 0.00001; gnomAD exomes 0.00001.
gnomAD v4.1: 16 of 1,613,948 alleles (0.00099%); highest among the groups gnomAD compares: Middle Eastern, 0.017%; no homozygotes.

Submissions (2):

Women's Health and Genetics/Laboratory Corporation of America, LabCorp
Classification: Uncertain significance. Last evaluated: 2026-06-26. Review status: criteria provided, single submitter. Criteria: LabCorp Variant Classification Summary - May 2015. Collection method: clinical testing. Allele origin: germline.
Comment: Variant summary: KCNH5 c.1202G>A (p.Arg401His) results in a non-conservative amino acid change in the encoded protein sequence. Algorithms developed to predict the effect of missense changes on protein structure and function all suggest that this variant is likely to be disruptive. The variant allele was found at a frequency of 8e-06 in 250954 control chromosomes. The available data on variant occurrences in the general population are insufficient to allow any conclusion about variant significance. To our knowledge, no occurrence of c.1202G>A in individuals affected with KCNH5-related conditions and no experimental evidence demonstrating its impact on protein function have been reported. ClinVar contains an entry for this variant (Variation ID: 949515). Based on the evidence outlined above, the variant was classified as uncertain significance.

Labcorp Genetics (formerly Invitae), Labcorp
Classification: Benign for Early-infantile DEE. Last evaluated: 2025-07-13. Review status: criteria provided, single submitter. Criteria: Invitae Variant Classification Sherloc (09022015). Collection method: clinical testing. Allele origin: germline.